The following is an entry in ClinVar:

ClinVar aggregate classification (germline): Pathogenic (1 of 4 stars; one submission).

Submission:

Labcorp Genetics (formerly Invitae), Labcorp
Classification: Pathogenic. Last evaluated: 2023-01-17. Review status: criteria provided, single submitter. Criteria: Invitae Variant Classification Sherloc (09022015). Collection method: clinical testing. Allele origin: germline.
Comment: For these reasons, this variant has been classified as Pathogenic. This variant disrupts a region of the CANT1 protein in which other variant(s) (p.Arg300Cys) have been determined to be pathogenic (PMID: 19853239, 21037275, 22539336). This suggests that this is a clinically significant region of the protein, and that variants that disrupt it are likely to be disease-causing. This premature translational stop signal has been observed in individual(s) with Desbuquois dysplasia (PMID: 21037275). This variant is not present in population databases (gnomAD no frequency). This sequence change creates a premature translational stop signal (p.Cys287*) in the CANT1 gene. While this is not anticipated to result in nonsense mediated decay, it is expected to disrupt the last 115 amino acid(s) of the CANT1 protein.

Literature cited by the submitters: PubMed 19853239; PubMed 21037275; PubMed 22539336.

NM_001159773.2(CANT1):c.861C>A (p.Cys287Ter)

Gene: CANT1 (calcium activated nucleotidase 1; minus strand). Cytogenetic location: 17q25.3.
Variant type: single nucleotide variant.
Coding change: c.861C>A on transcript NM_001159773.2 (MANE Select); coding-DNA position 861, C replaced by A.
Protein change: p.Cys287Ter; replaces cysteine 287 with a stop codon.
Molecular consequence: nonsense.
Genome position (GRCh38, 1-based): chr17:78,993,895, G>T on the plus strand (C>A on the coding strand, the complement: CANT1 is on the minus strand). VCF-style: chr17-78993895-G-T. GRCh37 (hg19) VCF-style: chr17-76989977-G-T.
Other names: c.861C>A, p.Cys287Ter (NM_001159772.2, NM_138793.4); short protein forms C287*.
Identifiers: ClinVar variation 2736669 (VCV002736669.3), dbSNP rs1461981853, ClinGen allele CA401306905.